The following is an entry in ClinVar:

ClinVar aggregate classification (germline): Uncertain significance (1 of 4 stars; one submission).

Allele frequency attached by ClinVar (database versions not stated): TOPMed below 0.00001; gnomAD 0.00001; ExAC 0.00006; 1000 Genomes Project 30x 0.00031; 1000 Genomes Project 0.00040.
gnomAD v4.1: 19 of 1,613,306 alleles (0.0012%); highest among the groups gnomAD compares: South Asian, 0.018%; no homozygotes.

Submission:

Labcorp Genetics (formerly Invitae), Labcorp
Classification: Uncertain significance. Last evaluated: 2022-04-24. Review status: criteria provided, single submitter. Criteria: Invitae Variant Classification Sherloc (09022015). Collection method: clinical testing. Allele origin: germline.
Comment: Algorithms developed to predict the effect of missense changes on protein structure and function are either unavailable or do not agree on the potential impact of this missense change (SIFT: "Deleterious"; PolyPhen-2: "Possibly Damaging"; Align-GVGD: "Class C0"). In summary, the available evidence is currently insufficient to determine the role of this variant in disease. Therefore, it has been classified as a Variant of Uncertain Significance. This variant has not been reported in the literature in individuals affected with MCM2-related conditions. This variant is present in population databases (rs577435798, gnomAD 0.03%). This sequence change replaces glycine, which is neutral and non-polar, with cysteine, which is neutral and slightly polar, at codon 699 of the MCM2 protein (p.Gly699Cys).

NM_004526.4(MCM2):c.2095G>T (p.Gly699Cys)

Gene: MCM2 (minichromosome maintenance complex component 2; plus strand). Cytogenetic location: 3q21.3.
Variant type: single nucleotide variant.
Coding change: c.2095G>T on transcript NM_004526.4 (MANE Select); coding-DNA position 2095, G replaced by T.
Protein change: p.Gly699Cys; replaces glycine 699 with cysteine.
Molecular consequence: missense variant. On other transcripts: non-coding transcript variant (1).
Genome position (GRCh38, 1-based): chr3:127,619,108, G>T. VCF-style: chr3-127619108-G-T. GRCh37 (hg19) VCF-style: chr3-127337951-G-T.
Other names: short protein forms G699C.
Identifiers: ClinVar variation 1946035 (VCV001946035.5), dbSNP rs577435798, ClinGen allele CA2596116.